The following is an entry in ClinVar:

NM_014030.4(GIT1):c.1047_1050del (p.Ser349fs)

Genes: GIT1 (GIT ArfGAP 1; minus strand), TP53I13 (tumor protein p53 inducible protein 13; plus strand). Cytogenetic location: 17q11.2.
Variant type: Deletion.
Coding change: c.1047_1050del on transcript NM_014030.4 (MANE Select); coding-DNA positions 1047 to 1050, 4 bases deleted (TGAG; older notation c.1047_1050delTGAG).
Protein change: p.Ser349fs; shifts the reading frame from serine 349.
Molecular consequence: frameshift variant.
Genome position (GRCh38, 1-based): chr17:29,577,179-29,577,182, CTCA deleted on the plus strand (TGAG on the coding strand, the reverse complement: GIT1 is on the minus strand); deleting any 4 consecutive bases within chr17:29,577,179-29,577,184 gives the same sequence; the c. name uses the placement nearest the transcript's 3' end. VCF-style (leftmost placement, unchanged base first): chr17-29577178-CCTCA-C. GRCh37 (hg19) VCF-style: chr17-27904196-CCTCA-C.
Other names: c.1074_1077del, p.Ser358fs (NM_001085454.2); short protein forms S349fs, S358fs.
Identifiers: ClinVar variation 4982946 (VCV004982946.1).

ClinVar aggregate classification (germline): Uncertain significance (1 of 4 stars; one submission).

Conditions:
GIT1-related disorder. Also called: GIT1-related condition.

Submission:

PreventionGenetics, part of Exact Sciences
Classification: Uncertain significance for GIT1-related condition. Last evaluated: 2024-11-20. Review status: criteria provided, single submitter. Criteria: ACMG Guidelines, 2015. Collection method: clinical testing. Allele origin: germline.
Comment: The GIT1 c.1074_1077delTGAG variant is predicted to result in a frameshift and premature protein termination (p.Ser358Argfs*11). To our knowledge, this variant has not been reported in the literature or in a large population database (gnomAD), indicating this variant is rare. At this time, the clinical significance of this variant is uncertain due to the absence of conclusive functional and genetic evidence.